The following is an entry in ClinVar:

NM_000038.6(APC):c.3413A>G (p.Asp1138Gly)

Gene: APC (APC regulator of Wnt signaling pathway; plus strand). Cytogenetic location: 5q22.2.
Variant type: single nucleotide variant.
Coding change: c.3413A>G on transcript NM_000038.6 (MANE Select); coding-DNA position 3413, A replaced by G.
Protein change: p.Asp1138Gly; replaces aspartic acid 1138 with glycine.
Molecular consequence: missense variant.
Genome position (GRCh38, 1-based): chr5:112,839,007, A>G. VCF-style: chr5-112839007-A-G. GRCh37 (hg19) VCF-style: chr5-112174704-A-G.
Other names: c.3413A>G, p.Asp1138Gly (NM_001127510.3, NM_001354895.2); c.3359A>G, p.Asp1120Gly (NM_001127511.3); c.3467A>G, p.Asp1156Gly (NM_001354896.2); c.3443A>G, p.Asp1148Gly (NM_001354897.2); c.3338A>G, p.Asp1113Gly (NM_001354898.2); c.3329A>G, p.Asp1110Gly (NM_001354899.2); c.3290A>G, p.Asp1097Gly (NM_001354900.2); c.3236A>G, p.Asp1079Gly (NM_001354901.2); and 5 more; short protein forms D1012G, D1037G, D1047G, D1079G, D1097G, D1110G, D1113G, D1120G.
Identifiers: ClinVar variation 1022004 (VCV001022004.51), dbSNP rs748002967, ClinGen allele CA035284.

ClinVar aggregate classification (germline): Uncertain significance. Review status: criteria provided, multiple submitters, no conflicts (2 of 4 stars). 2 submissions from 2 submitters: Uncertain significance (2). Last evaluated 2025-10-23.

Conditions:
Familial adenomatous polyposis 1 (FAP1). Also called: POLYPOSIS, ADENOMATOUS INTESTINAL; FAMILIAL ADENOMATOUS POLYPOSIS 1, ATTENUATED. Identifiers: MedGen C2713442, MONDO:0021056, OMIM 175100. Disease mechanism: loss of function.
Hereditary cancer-predisposing syndrome. Also called: Hereditary Cancer Syndrome; Neoplastic Syndromes, Hereditary; Tumor predisposition; Hereditary neoplastic syndrome. Identifiers: Orphanet 140162, MedGen C0027672, MeSH D009386, MONDO:0015356.

Allele frequency attached by ClinVar (database versions not stated): gnomAD exomes below 0.00001; ExAC 0.00001.
gnomAD v4.1: 1 of 1,614,190 alleles (0.000062%); highest among the groups gnomAD compares: South Asian, 0.0011%; no homozygotes.

Submissions (2):

Labcorp Genetics (formerly Invitae), Labcorp
Classification: Uncertain significance for Familial adenomatous polyposis 1. Last evaluated: 2025-10-23. Review status: criteria provided, single submitter. Criteria: Invitae Variant Classification Sherloc (09022015). Collection method: clinical testing. Allele origin: germline.
Comment: This sequence change replaces aspartic acid, which is acidic and polar, with glycine, which is neutral and non-polar, at codon 1138 of the APC protein (p.Asp1138Gly). This variant is present in population databases (rs748002967, gnomAD 0.003%). This variant has not been reported in the literature in individuals affected with APC-related conditions. ClinVar contains an entry for this variant (Variation ID: 1022004). Invitae Evidence Modeling of protein sequence and biophysical properties (such as structural, functional, and spatial information, amino acid conservation, physicochemical variation, residue mobility, and thermodynamic stability) indicates that this missense variant is not expected to disrupt APC protein function with a negative predictive value of 95%. In summary, the available evidence is currently insufficient to determine the role of this variant in disease. Therefore, it has been classified as a Variant of Uncertain Significance.

Ambry Genetics
Classification: Uncertain significance for Hereditary cancer-predisposing syndrome. Last evaluated: 2025-03-06. Review status: criteria provided, single submitter. Criteria: Ambry Variant Classification Scheme 2023. Collection method: clinical testing. Allele origin: germline.
Comment: The p.D1138G variant (also known as c.3413A>G), located in coding exon 15 of the APC gene, results from an A to G substitution at nucleotide position 3413. The aspartic acid at codon 1138 is replaced by glycine, an amino acid with similar properties. This amino acid position is conserved. In addition, in silico predictors for this gene do not accurately predict pathogenicity. Since supporting evidence is limited at this time, the clinical significance of this alteration remains unclear.